The following is an entry in ClinVar:

ClinVar aggregate classification (germline): Uncertain significance (1 of 4 stars; one submission).

Submission:

Labcorp Genetics (formerly Invitae), Labcorp
Classification: Uncertain significance. Last evaluated: 2023-07-13. Review status: criteria provided, single submitter. Criteria: Invitae Variant Classification Sherloc (09022015). Collection method: clinical testing. Allele origin: germline.
Comment: This sequence change replaces serine, which is neutral and polar, with threonine, which is neutral and polar, at codon 400 of the ROR2 protein (p.Ser400Thr). This variant is not present in population databases (gnomAD no frequency). This variant has not been reported in the literature in individuals affected with ROR2-related conditions. Advanced modeling of protein sequence and biophysical properties (such as structural, functional, and spatial information, amino acid conservation, physicochemical variation, residue mobility, and thermodynamic stability) performed at Invitae indicates that this missense variant is not expected to disrupt ROR2 protein function. In summary, the available evidence is currently insufficient to determine the role of this variant in disease. Therefore, it has been classified as a Variant of Uncertain Significance.

NM_004560.4(ROR2):c.1199G>C (p.Ser400Thr)

Gene: ROR2 (receptor tyrosine kinase like orphan receptor 2; minus strand). Cytogenetic location: 9q22.31.
Variant type: single nucleotide variant.
Coding change: c.1199G>C on transcript NM_004560.4 (MANE Select); coding-DNA position 1199, G replaced by C.
Protein change: p.Ser400Thr; replaces serine 400 with threonine.
Molecular consequence: missense variant.
Genome position (GRCh38, 1-based): chr9:91,726,728, C>G on the plus strand (G>C on the coding strand, the complement: ROR2 is on the minus strand). VCF-style: chr9-91726728-C-G. GRCh37 (hg19) VCF-style: chr9-94489010-C-G.
Other names: c.1165G>C, p.Ala389Pro (NM_001318204.2); short protein forms A389P, S400T.
Identifiers: ClinVar variation 2720107 (VCV002720107.3), dbSNP rs1222570915, ClinGen allele CA373799804.